The following is an entry in ClinVar:

NM_000400.4(ERCC2):c.180G>C (p.Gln60His)

Gene: ERCC2 (ERCC excision repair 2, TFIIH core complex helicase subunit; minus strand). Cytogenetic location: 19q13.32.
Variant type: single nucleotide variant.
Coding change: c.180G>C on transcript NM_000400.4 (MANE Select); coding-DNA position 180, G replaced by C.
Protein change: p.Gln60His; replaces glutamine 60 with histidine.
Molecular consequence: missense variant.
Genome position (GRCh38, 1-based): chr19:45,369,073, C>G on the plus strand (G>C on the coding strand, the complement: ERCC2 is on the minus strand). VCF-style: chr19-45369073-C-G. GRCh37 (hg19) VCF-style: chr19-45872331-C-G.
Other names: c.108G>C, p.Gln36His (NM_001130867.2); short protein forms Q36H, Q60H.
Identifiers: ClinVar variation 2566706 (VCV002566706.2), dbSNP rs2514045522, ClinGen allele CA406379385.

ClinVar aggregate classification (germline): Uncertain significance (1 of 4 stars; one submission).

Conditions:
Inborn genetic diseases. Identifiers: MedGen C0950123, MeSH D030342.

Submission:

Ambry Genetics
Classification: Uncertain significance for Inborn genetic diseases. Last evaluated: 2023-06-01. Review status: criteria provided, single submitter. Criteria: Ambry Variant Classification Scheme 2023. Collection method: clinical testing. Allele origin: germline.
Comment: The p.Q60H variant (also known as c.180G>C), located in coding exon 3 of the ERCC2 gene, results from a G to C substitution at nucleotide position 180. The glutamine at codon 60 is replaced by histidine, an amino acid with highly similar properties. This amino acid position is conserved. In addition, the in silico prediction for this alteration is inconclusive. Since supporting evidence is limited at this time, the clinical significance of this alteration remains unclear.